The following is an entry in ClinVar:

ClinVar aggregate classification (germline): Likely pathogenic (1 of 4 stars; one submission).

Conditions:
Deficiency of malonyl-CoA decarboxylase. Also called: Malonic aciduria; MCD deficiency. Identifiers: Orphanet 943, MedGen C0342793, MONDO:0009556, OMIM 248360.

Submission:

Juno Genomics, Hangzhou Juno Genomics, Inc
Classification: Likely pathogenic for Deficiency of malonyl-CoA decarboxylase. Review status: criteria provided, single submitter. Criteria: ACMG Guidelines, 2015. Collection method: clinical testing. Allele origin: germline.
Comment: Null variant in a gene where loss of function (LOF) is a known mechanism of disease.;Absent from controls (or at extremely low frequency if recessive) in Genome Aggregation Database.

NM_012213.3(MLYCD):c.352_358del (p.Glu118fs)

Gene: MLYCD (malonyl-CoA decarboxylase; plus strand). Cytogenetic location: 16q23.3.
Variant type: Deletion.
Coding change: c.352_358del on transcript NM_012213.3 (MANE Select); coding-DNA positions 352 to 358, 7 bases deleted (GAGGCGG; older notation c.352_358delGAGGCGG).
Protein change: p.Glu118fs; shifts the reading frame from glutamic acid 118.
Molecular consequence: frameshift variant.
Genome position (GRCh38, 1-based): chr16:83,899,496-83,899,502, GAGGCGG deleted; deleting any 7 consecutive bases within chr16:83,899,492-83,899,502 gives the same sequence; the c. name uses the placement nearest the transcript's 3' end. VCF-style (leftmost placement, unchanged base first): chr16-83899491-AGCGGGAG-A. GRCh37 (hg19) VCF-style: chr16-83933096-AGCGGGAG-A.
Other names: short protein forms E118fs.
Identifiers: ClinVar variation 5005641 (VCV005005641.2).